The following is an entry in ClinVar:

ClinVar aggregate classification (germline): Likely benign. Review status: criteria provided, multiple submitters, no conflicts (2 of 4 stars). 2 submissions from 2 submitters: Likely benign (2). Last evaluated 2026-07-13.

Conditions:
CSF1R-related disorder. Also called: CSF1R-related condition. Identifiers: MedGen CN379780, MONDO:0100632.

gnomAD v4.1: 2 of 1,612,164 alleles (0.00012%); highest among the groups gnomAD compares: Non-Finnish European, 0.00017%; no homozygotes.

Submissions (2):

PreventionGenetics, part of Exact Sciences
Classification: Likely benign for CSF1R-related condition. Last evaluated: 2026-07-13. Review status: criteria provided, single submitter. Criteria: ACMG Guidelines, 2015. Collection method: clinical testing. Allele origin: germline.
Comment: This variant is classified as likely benign based on ACMG/AMP sequence variant interpretation guidelines (Richards et al. 2015 PMID: 25741868, with internal and published modifications).

Labcorp Genetics (formerly Invitae), Labcorp
Classification: Likely benign. Last evaluated: 2024-06-13. Review status: criteria provided, single submitter. Criteria: Invitae Variant Classification Sherloc (09022015). Collection method: clinical testing. Allele origin: germline.

NM_001288705.3(CSF1R):c.2766C>T (p.Asp922=)

Gene: CSF1R (colony stimulating factor 1 receptor; minus strand). Cytogenetic location: 5q32.
Variant type: single nucleotide variant.
Coding change: c.2766C>T on transcript NM_001288705.3 (MANE Select); coding-DNA position 2766, C replaced by T.
Protein change: p.Asp922=; no amino-acid change (aspartic acid 922 retained).
Molecular consequence: synonymous variant. On other transcripts: non-coding transcript variant (2).
Genome position (GRCh38, 1-based): chr5:150,054,222, G>A on the plus strand (C>T on the coding strand, the complement: CSF1R is on the minus strand). VCF-style: chr5-150054222-G-A. GRCh37 (hg19) VCF-style: chr5-149433785-G-A.
Other names: c.2766C>T, p.Asp922= (NM_001349736.2, NM_001375320.1, NM_005211.4); c.2322C>T, p.Asp774= (NM_001375321.1); c.2766C>T (NM_005211.3).
Identifiers: ClinVar variation 3611275 (VCV003611275.3).